The following is an entry in ClinVar:

ClinVar aggregate classification (germline): Likely benign (1 of 4 stars; one submission).

Conditions:
SEMA3G-related disorder. Also called: SEMA3G-related condition.

Allele frequency attached by ClinVar (database versions not stated): gnomAD 0.00076; TOPMed 0.00076; ESP Exome Variant Server 0.00085; 1000 Genomes Project 30x 0.00094; 1000 Genomes Project 0.00100.
gnomAD v4.1: 228 of 1,613,814 alleles (0.014%); highest among the groups gnomAD compares: African/African-American, 0.27%; no homozygotes.

Submission:

PreventionGenetics, part of Exact Sciences
Classification: Likely benign for SEMA3G-related condition. Last evaluated: 2025-12-05. Review status: criteria provided, single submitter. Criteria: ACMG Guidelines, 2015. Collection method: clinical testing. Allele origin: germline.
Comment: This variant is classified as likely benign based on ACMG/AMP sequence variant interpretation guidelines (Richards et al. 2015 PMID: 25741868, with internal and published modifications).

NM_020163.3(SEMA3G):c.744G>A (p.Ser248=)

Gene: SEMA3G (semaphorin 3G; minus strand). Cytogenetic location: 3p21.1.
Variant type: single nucleotide variant.
Coding change: c.744G>A on transcript NM_020163.3 (MANE Select); coding-DNA position 744, G replaced by A.
Protein change: p.Ser248=; no amino-acid change (serine 248 retained).
Molecular consequence: synonymous variant.
Genome position (GRCh38, 1-based): chr3:52,441,333, C>T on the plus strand (G>A on the coding strand, the complement: SEMA3G is on the minus strand). VCF-style: chr3-52441333-C-T. GRCh37 (hg19) VCF-style: chr3-52475349-C-T.
Identifiers: ClinVar variation 3048080 (VCV003048080.3), dbSNP rs139380539, ClinGen allele CA2438226.
Genomic context (GRCh38, chr3:52,441,333, plus strand): 5'-GCGGCCCACGCGGCTGACAGTGACATGGTTCGAGCCACCATCGGGCGAGGGGACCGTCTC[C>T]GAGAAGAAGAAGTACACCTTGTCATTGTCCTGGTCAGAGTTCTCAGGGATCCGGGCGGCC-3'
Protein context (NP_064548.1, residues 238-258): QDNDKVYFFF[Ser248=]ETVPSPDGGS